The following is an entry in ClinVar:

ClinVar aggregate classification (germline): Uncertain significance (1 of 4 stars; one submission).

Conditions:
Autoimmune interstitial lung disease-arthritis syndrome. Also called: Autoinflammation and autoimmunity, systemic, with immune dysregulation. Identifiers: Orphanet 444092, MedGen C5975714, MONDO:0014629.

Allele frequency attached by ClinVar (database versions not stated): gnomAD exomes below 0.00001.
gnomAD v4.1: 1 of 1,614,120 alleles (0.000062%); highest among the groups gnomAD compares: Non-Finnish European, 0.000085%; no homozygotes.

Submission:

Labcorp Genetics (formerly Invitae), Labcorp
Classification: Uncertain significance for Autoimmune interstitial lung disease-arthritis syndrome. Last evaluated: 2024-11-19. Review status: criteria provided, single submitter. Criteria: Invitae Variant Classification Sherloc (09022015). Collection method: clinical testing. Allele origin: germline.
Comment: This sequence change replaces valine, which is neutral and non-polar, with alanine, which is neutral and non-polar, at codon 54 of the COPA protein (p.Val54Ala). This variant is not present in population databases (gnomAD no frequency). This variant has not been reported in the literature in individuals affected with COPA-related conditions. ClinVar contains an entry for this variant (Variation ID: 2758238). Invitae Evidence Modeling of protein sequence and biophysical properties (such as structural, functional, and spatial information, amino acid conservation, physicochemical variation, residue mobility, and thermodynamic stability) indicates that this missense variant is expected to disrupt COPA protein function with a positive predictive value of 80%. In summary, the available evidence is currently insufficient to determine the role of this variant in disease. Therefore, it has been classified as a Variant of Uncertain Significance.

NM_004371.4(COPA):c.161T>C (p.Val54Ala)

Gene: COPA (coat protein complex I subunit alpha; minus strand). Cytogenetic location: 1q23.2.
Variant type: single nucleotide variant.
Coding change: c.161T>C on transcript NM_004371.4 (MANE Select); coding-DNA position 161, T replaced by C.
Protein change: p.Val54Ala; replaces valine 54 with alanine.
Molecular consequence: missense variant.
Genome position (GRCh38, 1-based): chr1:160,339,976, A>G on the plus strand (T>C on the coding strand, the complement: COPA is on the minus strand). VCF-style: chr1-160339976-A-G. GRCh37 (hg19) VCF-style: chr1-160309766-A-G.
Other names: c.161T>C, p.Val54Ala (NM_001098398.2); short protein forms V54A.
Identifiers: ClinVar variation 2758238 (VCV002758238.3), dbSNP rs2525475351, ClinGen allele CA343272928.